The following is an entry in ClinVar:

ClinVar aggregate classification (germline): Pathogenic/Likely pathogenic. Review status: criteria provided, multiple submitters, no conflicts (2 of 4 stars). 4 submissions from 4 submitters: Pathogenic (1); Likely pathogenic (3). Last evaluated 2025-10-14.

Allele frequency attached by ClinVar (database versions not stated): gnomAD exomes below 0.00001.
gnomAD v4.1: 2 of 1,614,184 alleles (0.00012%); highest among the groups gnomAD compares: Non-Finnish European, 0.00017%; no homozygotes.

Submissions (4):

Mayo Clinic Laboratories, Mayo Clinic
Classification: Likely pathogenic. Last evaluated: 2025-10-14. Review status: criteria provided, single submitter. Criteria: ACMG Guidelines, 2015. Collection method: clinical testing. Allele origin: germline. Observed: 2 variant alleles.
Comment: PP3_moderate, PM2_supporting, PS3

Labcorp Genetics (formerly Invitae), Labcorp
Classification: Likely pathogenic. Last evaluated: 2025-06-15. Review status: criteria provided, single submitter. Criteria: Invitae Variant Classification Sherloc (09022015). Collection method: clinical testing. Allele origin: germline.
Comment: This sequence change replaces arginine, which is basic and polar, with cysteine, which is neutral and slightly polar, at codon 808 of the SLC4A1 protein (p.Arg808Cys). This variant is present in population databases (no rsID available, gnomAD 0.0009%). This missense change has been observed in individuals with hereditary spherocytosis (PMID: 7530501; internal data). ClinVar contains an entry for this variant (Variation ID: 1330507). Invitae Evidence Modeling of protein sequence and biophysical properties (such as structural, functional, and spatial information, amino acid conservation, physicochemical variation, residue mobility, and thermodynamic stability) indicates that this missense variant is expected to disrupt SLC4A1 protein function with a positive predictive value of 80%. Experimental studies have shown that this missense change affects SLC4A1 function (PMID: 11208088). This variant disrupts the p.Arg808His amino acid residue in SLC4A1. Other variant(s) that disrupt this residue have been determined to be pathogenic (PMID: 10745622, 33620149, 36203343, 37280519). This suggests that this residue is clinically significant, and that variants that disrupt this residue are likely to be disease-causing. In summary, the currently available evidence indicates that the variant is pathogenic, but additional data are needed to prove that conclusively. Therefore, this variant has been classified as Likely Pathogenic.

Revvity Omics, Revvity
Classification: Likely pathogenic. Last evaluated: 2024-08-12. Review status: criteria provided, single submitter. Criteria: ACMG Guidelines, 2015. Collection method: clinical testing. Allele origin: germline.

ARUP Laboratories, Molecular Genetics and Genomics, ARUP Laboratories
Classification: Pathogenic. Last evaluated: 2023-12-22. Review status: criteria provided, single submitter. Criteria: ARUP Molecular Germline Variant Investigation Process 2024. Collection method: clinical testing. Allele origin: germline.
Comment: The SLC4A1 c.2422C>T; p.Arg808Cys variant (rs1167814744), also known as Band 3 Jablonec, is reported in the literature in one individual affected with spherocytosis (Jarolim 1995). In vitro functional analyses also demonstrate reduced Band 3 concentration and improper protein localization (Jarolim 1995, Quilty 2000). This variant is only observed on one allele in the Genome Aggregation Database, indicating it is not a common polymorphism. Additionally, another variant at this codon (c.2423G>A, p.Arg808His) has been reported in individuals with hereditary spherocytosis and is considered pathogenic (Bogardus 2012, Choi 2019, Mansour-Hendili 2020, Xie 2021).The arginine at codon 808 is highly conserved and computational analyses predict that this variant is deleterious (REVEL: 0.926). Based on available information, this variant is considered to be pathogenic. References: Bogardus HH et al. A de novo band 3 mutation in hereditary spherocytosis. Pediatric blood & cancer. 2012 Jun. PMID: 22170767. Choi HS et al. Molecular diagnosis of hereditary spherocytosis by multi-gene target sequencing in Korea: matching with osmotic fragility test and presence of spherocyte. Orphanet J Rare Dis. 2019 May 23. PMID: 31122244. Jarolim P et al. Mutations of conserved arginines in the membrane domain of erythroid band 3 lead to a decrease in membrane-associated band 3 and to the phenotype of hereditary spherocytosis. Blood. 1995 Feb 1. PMID: 7530501. Mansour-Hendili L et al. Exome sequencing for diagnosis of congenital hemolytic anemia. Orphanet J Rare Dis. 2020 Jul 8. PMID: 32641076. Xie F et al. Clinical manifestation and phenotypic analysis of novel gene mutation in 28 Chinese children with hereditary spherocytosis. Mol Genet Genomic Med. 2021 Apr. PMID: 33620149.

Literature cited by the submitters: PubMed 7530501 (cited by Mayo Clinic Laboratories, Mayo Clinic and Labcorp Genetics (formerly Invitae), Labcorp); PubMed 11208088 (cited by Labcorp Genetics (formerly Invitae), Labcorp); PubMed 10745622 (cited by Labcorp Genetics (formerly Invitae), Labcorp); PubMed 33620149 (cited by Labcorp Genetics (formerly Invitae), Labcorp); PubMed 36203343 (cited by Labcorp Genetics (formerly Invitae), Labcorp); PubMed 37280519 (cited by Labcorp Genetics (formerly Invitae), Labcorp).

NM_000342.4(SLC4A1):c.2422C>T (p.Arg808Cys)

Gene: SLC4A1 (solute carrier family 4 member 1 (Diego blood group); minus strand). Cytogenetic location: 17q21.31.
Variant type: single nucleotide variant.
Coding change: c.2422C>T on transcript NM_000342.4 (MANE Select); coding-DNA position 2422, C replaced by T.
Protein change: p.Arg808Cys; replaces arginine 808 with cysteine.
Molecular consequence: missense variant.
Genome position (GRCh38, 1-based): chr17:44,251,478, G>A on the plus strand (C>T on the coding strand, the complement: SLC4A1 is on the minus strand). VCF-style: chr17-44251478-G-A. GRCh37 (hg19) VCF-style: chr17-42328846-G-A.
Other names: p.Arg808Cys; short protein forms R808C.
Identifiers: ClinVar variation 1330507 (VCV001330507.14), dbSNP rs1167814744, ClinGen allele CA399780645.